The following is an entry in ClinVar:

ClinVar aggregate classification (germline): Uncertain significance. Review status: criteria provided, multiple submitters, no conflicts (2 of 4 stars). 3 submissions from 3 submitters: Uncertain significance (3). Last evaluated 2024-06-08.

Conditions:
Hereditary cancer-predisposing syndrome. Also called: Hereditary Cancer Syndrome; Neoplastic Syndromes, Hereditary; Tumor predisposition; Hereditary neoplastic syndrome. Identifiers: Orphanet 140162, MedGen C0027672, MeSH D009386, MONDO:0015356.
Cardiovascular phenotype. Identifiers: MedGen CN230736.
Neurofibromatosis, type 1 (NF1). Also called: NEUROFIBROMATOSIS, TYPE I, SOMATIC; VON RECKLINGHAUSEN DISEASE; Peripheral type neurofibromatosis; Neurofibromatosis, type I. Identifiers: Orphanet 636, MedGen C0027831, MONDO:0018975, OMIM 162200. Disease mechanism: loss of function.

Allele frequency attached by ClinVar (database versions not stated): gnomAD exomes below 0.00001; TOPMed below 0.00001; ExAC 0.00001.
gnomAD v4.1: 3 of 1,613,864 alleles (0.00019%); highest among the groups gnomAD compares: Admixed American, 0.0017%; no homozygotes.

Submissions (3):

Labcorp Genetics (formerly Invitae), Labcorp
Classification: Uncertain significance for Neurofibromatosis, type 1. Last evaluated: 2024-06-08. Review status: criteria provided, single submitter. Criteria: Invitae Variant Classification Sherloc (09022015). Collection method: clinical testing. Allele origin: germline.
Comment: This sequence change replaces valine, which is neutral and non-polar, with glycine, which is neutral and non-polar, at codon 451 of the NF1 protein (p.Val451Gly). This variant is present in population databases (rs747466938, gnomAD 0.003%). This variant has not been reported in the literature in individuals affected with NF1-related conditions. ClinVar contains an entry for this variant (Variation ID: 639255). Advanced modeling of protein sequence and biophysical properties (such as structural, functional, and spatial information, amino acid conservation, physicochemical variation, residue mobility, and thermodynamic stability) has been performed at Invitae for this missense variant, however the output from this modeling did not meet the statistical confidence thresholds required to predict the impact of this variant on NF1 protein function. In summary, the available evidence is currently insufficient to determine the role of this variant in disease. Therefore, it has been classified as a Variant of Uncertain Significance.

GeneDx
Classification: Uncertain significance. Last evaluated: 2022-06-30. Review status: criteria provided, single submitter. Criteria: GeneDx Variant Classification Process June 2021. Collection method: clinical testing. Allele origin: germline. Affected: yes.
Comment: In silico analysis supports that this missense variant has a deleterious effect on protein structure/function; Has not been previously published as pathogenic or benign to our knowledge

Ambry Genetics
Classification: Uncertain significance for Cardiovascular phenotype; Hereditary cancer-predisposing syndrome. Last evaluated: 2022-02-23. Review status: criteria provided, single submitter. Criteria: Ambry Variant Classification Scheme 2023. Collection method: clinical testing. Allele origin: germline.
Comment: The p.V451G variant (also known as c.1352T>G), located in coding exon 12 of the NF1 gene, results from a T to G substitution at nucleotide position 1352. The valine at codon 451 is replaced by glycine, an amino acid with dissimilar properties. This amino acid position is not well conserved in available vertebrate species. In addition, the in silico prediction for this alteration is inconclusive. Since supporting evidence is limited at this time, the clinical significance of this alteration remains unclear.

NM_001042492.3(NF1):c.1352T>G (p.Val451Gly)

Gene: NF1 (neurofibromin 1; plus strand). Cytogenetic location: 17q11.2.
Variant type: single nucleotide variant.
Coding change: c.1352T>G on transcript NM_001042492.3 (MANE Select); coding-DNA position 1352, T replaced by G.
Protein change: p.Val451Gly; replaces valine 451 with glycine.
Molecular consequence: missense variant.
Genome position (GRCh38, 1-based): chr17:31,206,331, T>G. VCF-style: chr17-31206331-T-G. GRCh37 (hg19) VCF-style: chr17-29533349-T-G.
Other names: c.1352T>G, p.Val451Gly (NM_000267.4, NM_001128147.3); short protein forms V451G.
Identifiers: ClinVar variation 639255 (VCV000639255.9), dbSNP rs747466938, ClinGen allele CA8485755.